The following is an entry in ClinVar:

ClinVar aggregate classification (germline): Uncertain significance (1 of 4 stars; one submission).

gnomAD v4.1: 3 of 1,554,208 alleles (0.00019%); highest among the groups gnomAD compares: Admixed American, 0.0039%; no homozygotes.

Submission:

Women's Health and Genetics/Laboratory Corporation of America, LabCorp
Classification: Uncertain significance. Last evaluated: 2024-06-25. Review status: criteria provided, single submitter. Criteria: LabCorp Variant Classification Summary - May 2015. Collection method: clinical testing. Allele origin: germline.
Comment: Variant summary: KCNQ2 c.1218-8G>A alters a non-conserved nucleotide located close to a canonical splice site and therefore could affect mRNA splicing, leading to a significantly altered protein sequence. Consensus agreement among computation tools predict no significant impact on normal splicing. However, these predictions have yet to be confirmed by functional studies. The variant allele was found at a frequency of 1.3e-05 in 159686 control chromosomes. The available data on variant occurrences in the general population are insufficient to allow any conclusion about variant significance. To our knowledge, no occurrence of c.1218-8G>A in individuals affected with KCNQ2-Related Disorders and no experimental evidence demonstrating its impact on protein function have been reported. No submitters have cited clinical-significance assessments for this variant to ClinVar. Based on the evidence outlined above, the variant was classified as uncertain significance.

NM_172107.4(KCNQ2):c.1218-8G>A

Gene: KCNQ2 (potassium voltage-gated channel subfamily Q member 2; minus strand). Cytogenetic location: 20q13.33.
Variant type: single nucleotide variant.
Coding change: c.1218-8G>A on transcript NM_172107.4 (MANE Select); 8 bases into the intron before coding-DNA position 1218, G replaced by A.
Molecular consequence: intron variant.
Genome position (GRCh38, 1-based): chr20:63,424,214, C>T on the plus strand (G>A on the coding strand, the complement: KCNQ2 is on the minus strand). VCF-style: chr20-63424214-C-T. GRCh37 (hg19) VCF-style: chr20-62055567-C-T.
Other names: c.1188-8G>A (NM_004518.6); c.1218-8G>A (NM_172108.5, NM_172106.3, NM_001382235.1).
Identifiers: ClinVar variation 3339788 (VCV003339788.1).